The following is an entry in ClinVar:

ClinVar aggregate classification (germline): Likely benign. Review status: criteria provided, single submitter (1 of 4 stars). 2 submissions from 2 submitters: Likely benign (1). 1 of the submissions does not count toward it. Last evaluated 2021-05-18.

Conditions:
IFT172-related disorder. Also called: IFT172-related condition; IFT172-related disorders.
Short-rib thoracic dysplasia 10 with or without polydactyly (SRTD10). Identifiers: Orphanet 474, MedGen C3810175, MONDO:0014284, OMIM 615630.
Retinitis pigmentosa 71 (RP71). Identifiers: Orphanet 791, MedGen C4225342, MONDO:0014618, OMIM 616394.

Allele frequency attached by ClinVar (database versions not stated): gnomAD exomes below 0.00001; TOPMed below 0.00001.
gnomAD v4.1: 3 of 1,614,156 alleles (0.00019%); highest among the groups gnomAD compares: Non-Finnish European, 0.00025%; no homozygotes.

Submissions (2):

Labcorp Genetics (formerly Invitae), Labcorp
Classification: Likely benign for Retinitis pigmentosa 71; Short-rib thoracic dysplasia 10 with or without polydactyly. Last evaluated: 2021-05-18. Review status: criteria provided, single submitter. Criteria: Invitae Variant Classification Sherloc (09022015). Collection method: clinical testing. Allele origin: germline.

PreventionGenetics, part of Exact Sciences
Classification: Likely benign for IFT172-related condition. Last evaluated: 2023-06-06. Review status: no assertion criteria provided. Collection method: clinical testing. Allele origin: germline. Not counted in ClinVar's aggregate classification.
Comment: This variant is classified as likely benign based on ACMG/AMP sequence variant interpretation guidelines (Richards et al. 2015 PMID: 25741868, with internal and published modifications).

NM_015662.3(IFT172):c.4749T>A (p.Ala1583=)

Genes: IFT172 (intraflagellar transport 172; minus strand), KRTCAP3 (keratinocyte associated protein 3; plus strand). Cytogenetic location: 2p23.3.
Variant type: single nucleotide variant.
Coding change: c.4749T>A on transcript NM_015662.3 (MANE Select); coding-DNA position 4749, T replaced by A.
Protein change: p.Ala1583=; no amino-acid change (alanine 1583 retained).
Molecular consequence: synonymous variant. On other transcripts: intron variant (1).
Genome position (GRCh38, 1-based): chr2:27,446,266, A>T on the plus strand (T>A on the coding strand, the complement: IFT172 is on the minus strand). VCF-style: chr2-27446266-A-T. GRCh37 (hg19) VCF-style: chr2-27669133-A-T.
Other names: c.4683T>A, p.Ala1561= (NM_001410739.1); c.*6-35A>T (NM_001168364.2).
Identifiers: ClinVar variation 1659716 (VCV001659716.10), dbSNP rs1160368460, ClinGen allele CA425413622.
Genomic context (GRCh38, chr2:27,446,266, plus strand): 5'-TTTCCAACCTTTAACTTCCTCCTATCTGCCCCACCCTTCCTTGTCCCAGCTCACCTTGGC[A>T]GCAATGCCTGCTTCATAGAAGGCTTTGTCTACAGGTAGTAGCTGGGTGTGACGCAAGAGT-3'
Protein context (NP_056477.1, residues 1573-1593): VDKAFYEAGI[Ala1583=]AKAVGWDNMA